The following is an entry in ClinVar:

NM_004360.5(CDH1):c.877G>A (p.Val293Met)

Gene: CDH1 (cadherin 1; plus strand). Cytogenetic location: 16q22.1.
Variant type: single nucleotide variant.
Coding change: c.877G>A on transcript NM_004360.5 (MANE Select); coding-DNA position 877, G replaced by A.
Protein change: p.Val293Met; replaces valine 293 with methionine.
Molecular consequence: missense variant. On other transcripts: 5 prime UTR variant (2).
Genome position (GRCh38, 1-based): chr16:68,811,728, G>A. VCF-style: chr16-68811728-G-A. GRCh37 (hg19) VCF-style: chr16-68845631-G-A.
Other names: c.877G>A, p.Val293Met (NM_001317184.2); c.-739G>A (NM_001317185.2); c.-943G>A (NM_001317186.2); short protein forms V293M.
Identifiers: ClinVar variation 849276 (VCV000849276.14), dbSNP rs1960836448, ClinGen allele CA396459629.

ClinVar aggregate classification (germline): Conflicting classifications of pathogenicity. Review status: criteria provided, conflicting classifications (1 of 4 stars). 3 submissions from 3 submitters: Uncertain significance (2); Likely benign (1). Last evaluated 2026-06-16.

Conditions:
Hereditary diffuse gastric adenocarcinoma (HDGC). Also called: DIFFUSE GASTRIC AND LOBULAR BREAST CANCER SYNDROME. Identifiers: Orphanet 26106, MedGen C1708349, MONDO:0007648, OMIM 137215.
Hereditary cancer-predisposing syndrome. Also called: Tumor predisposition; Hereditary neoplastic syndrome; Neoplastic Syndromes, Hereditary; Hereditary Cancer Syndrome. Identifiers: Orphanet 140162, MedGen C0027672, MeSH D009386, MONDO:0015356.

Submissions (3):

Ambry Genetics
Classification: Likely benign for Hereditary cancer-predisposing syndrome. Last evaluated: 2026-06-16. Review status: criteria provided, single submitter. Criteria: Ambry Variant Classification Scheme 2023. Collection method: clinical testing. Allele origin: germline.

St. Jude Molecular Pathology, St. Jude Children's Research Hospital
Classification: Uncertain significance for Hereditary diffuse gastric adenocarcinoma. Last evaluated: 2026-02-11. Review status: criteria provided, single submitter. Criteria: St. Jude Assertion Criteria 2020. Collection method: clinical testing. Allele origin: germline.
Comment: The CDH1 NM_004360.5:c.877G>A change. Pathogenic variants in CDH1 are associated with autosomal dominant diffuse gastric and lobular breast cancer syndrome (DGLBCS; OMIM: 137215). Individuals with DGLBCS have an increased risk of developing diffuse gastric cancer and lobular breast cancer. T he CDH1 c.877G>A p.(Val293Met) missense change is absent in gnomAD v2.1.1. The in silico tool REVEL predicts a benign effect on protein function, but to our knowledge this prediction has not been confirmed by function al studies. To our knowledge, this variant has not been reported in the literature in individuals with diffuse gastric and lobular breast cancer syndrome. In summary, the evidence currently available is insufficient to determine the clinical significance of this variant. It has therefore been classified as of uncertain significance.

Labcorp Genetics (formerly Invitae), Labcorp
Classification: Uncertain significance for Hereditary diffuse gastric adenocarcinoma. Last evaluated: 2025-08-07. Review status: criteria provided, single submitter. Criteria: Invitae Variant Classification Sherloc (09022015). Collection method: clinical testing. Allele origin: germline.
Comment: This sequence change replaces valine, which is neutral and non-polar, with methionine, which is neutral and non-polar, at codon 293 of the CDH1 protein (p.Val293Met). This variant is not present in population databases (gnomAD no frequency). This variant has not been reported in the literature in individuals affected with CDH1-related conditions. ClinVar contains an entry for this variant (Variation ID: 849276). An algorithm developed to predict the effect of missense changes on protein structure and function (PolyPhen-2) suggests that this variant is likely to be disruptive. In summary, the available evidence is currently insufficient to determine the role of this variant in disease. Therefore, it has been classified as a Variant of Uncertain Significance.